The following is an entry in ClinVar:

NM_020632.3(ATP6V0A4):c.1739T>C (p.Met580Thr)

Gene: ATP6V0A4 (ATPase H+ transporting V0 subunit a4; minus strand). Cytogenetic location: 7q34.
Variant type: single nucleotide variant.
Coding change: c.1739T>C on transcript NM_020632.3 (MANE Select); coding-DNA position 1739, T replaced by C.
Protein change: p.Met580Thr; replaces methionine 580 with threonine.
Molecular consequence: missense variant.
Genome position (GRCh38, 1-based): chr7:138,733,046, A>G on the plus strand (T>C on the coding strand, the complement: ATP6V0A4 is on the minus strand). VCF-style: chr7-138733046-A-G. GRCh37 (hg19) VCF-style: chr7-138417791-A-G.
Other names: c.1739T>C, p.Met580Thr (NM_130840.3, NM_130841.3); short protein forms M580T.
Identifiers: ClinVar variation 5154 (VCV000005154.23), dbSNP rs3807153, ClinGen allele CA117293.
Genomic context (GRCh38, chr7:138,733,046, plus strand): 5'-CAGCACCATTTGAAAATGATCATGAAAACCAGGTATCCAAACAGACACAGGATAAAAATC[A>G]TCTCAGGGATAAATTGCAGAATGATGTTGAGAGTTCTTCTGAAGTATCTGGGGGTGGAAG-3'
Protein context (NP_065683.2, residues 570-590): LNIILQFIPE[Met580Thr]IFILCLFGYL

ClinVar aggregate classification (germline): Benign/Likely benign. Review status: criteria provided, multiple submitters, no conflicts (2 of 4 stars). 10 submissions from 10 submitters: Benign (7); Likely benign (2). 1 of the submissions does not count toward it. Last evaluated 2026-02-04.

Conditions:
Renal tubular acidosis, distal, 3, with or without sensorineural hearing loss (DRTA3). Identifiers: MedGen C5399980, MONDO:0011268, OMIM 602722.
Autosomal recessive distal renal tubular acidosis. Identifiers: Orphanet 402041, MedGen C1864498, MONDO:0018440.

Allele frequency attached by ClinVar (database versions not stated): gnomAD exomes 0.05541 and 0.06583; ExAC 0.06914; gnomAD 0.09126 and 0.09195; TOPMed 0.09586; 1000 Genomes Project 30x 0.10525; 1000 Genomes Project 0.10603.
gnomAD v4.1: 95,565 of 1,613,950 alleles (5.9%); highest among the groups gnomAD compares: African/African-American, 19%; 3,999 homozygotes.

Submissions (10):

Labcorp Genetics (formerly Invitae), Labcorp
Classification: Benign. Last evaluated: 2026-02-04. Review status: criteria provided, single submitter. Criteria: Invitae Variant Classification Sherloc (09022015). Collection method: clinical testing. Allele origin: germline.

Blueprint Genetics
Classification: Benign. Last evaluated: 2024-11-27. Review status: criteria provided, single submitter. Criteria: ACMG Guidelines, 2015. Collection method: clinical testing. Allele origin: germline.

Mayo Clinic Laboratories, Mayo Clinic
Classification: Benign. Last evaluated: 2023-01-13. Review status: criteria provided, single submitter. Criteria: ACMG Guidelines, 2015. Collection method: clinical testing. Allele origin: germline. Observed: 20 variant alleles.
Comment: BA1, BS2

Women's Health and Genetics/Laboratory Corporation of America, LabCorp
Classification: Likely benign. Last evaluated: 2021-12-10. Review status: criteria provided, single submitter. Criteria: LabCorp Variant Classification Summary - May 2015. Collection method: clinical testing. Allele origin: germline.

Mendelics
Classification: Benign for Renal tubular acidosis, distal, 3, with or without sensorineural hearing loss. Last evaluated: 2019-05-28. Review status: criteria provided, single submitter. Criteria: Mendelics Assertion Criteria 2017. Collection method: clinical testing. Allele origin: unknown.

GeneDx
Classification: Benign. Last evaluated: 2018-11-10. Review status: criteria provided, single submitter. Criteria: GeneDx Variant Classification Process June 2021. Collection method: clinical testing. Allele origin: germline. Affected: yes.
Comment: This variant is associated with the following publications: (PMID: 16611712, 27884173, 10973252, 20981092, 24252324)

Illumina Laboratory Services, Illumina
Classification: Benign for Renal tubular acidosis, distal, 3, with or without sensorineural hearing loss. Last evaluated: 2017-08-25. Review status: criteria provided, single submitter. Criteria: ICSL Variant Classification Criteria 13 December 2019. Collection method: clinical testing. Allele origin: germline.
Comment: This variant was observed as part of a predisposition screen in an ostensibly healthy population. A literature search was performed for the gene, cDNA change, and amino acid change (where applicable). Publications were found based on this search. The evidence from the literature, in combination with allele frequency data from public databases where available, was sufficient to rule this variant out of causing disease. Therefore, this variant is classified as benign.

Breakthrough Genomics
Classification: Likely benign. Review status: criteria provided, single submitter. Criteria: ACMG Guidelines, 2015. Collection method: not provided. Allele origin: germline. Inheritance: Autosomal recessive inheritance. Affected: yes.

PreventionGenetics, part of Exact Sciences
Classification: Benign. Review status: criteria provided, single submitter. Criteria: ACMG Guidelines, 2015. Collection method: clinical testing. Allele origin: germline.

OMIM
Classification: Pathogenic for RENAL TUBULAR ACIDOSIS, DISTAL, 3, WITHOUT SENSORINEURAL HEARING LOSS. Last evaluated: 2000-09-01. Review status: no assertion criteria provided. Collection method: literature only. Allele origin: germline. Not counted in ClinVar's aggregate classification.

Literature cited by the submitters: PubMed 24252324 (cited by Illumina Laboratory Services, Illumina); PubMed 16611712 (cited by Illumina Laboratory Services, Illumina); PubMed 10973252 (cited by Illumina Laboratory Services, Illumina and OMIM).